The following is an entry in ClinVar:

ClinVar aggregate classification (germline): Uncertain significance (1 of 4 stars; one submission).

Submission:

Genetic Services Laboratory, University of Chicago
Classification: Uncertain significance. Last evaluated: 2024-05-09. Review status: criteria provided, single submitter. Criteria: ACMG Guidelines, 2015. Collection method: clinical testing. Allele origin: germline. Affected: no.
Comment: DNA sequence analysis of the PKD1 gene demonstrated a sequence change, c.11110G>A, in exon 38 that results in an amino acid change, p.Ala3704Thr. This sequence change does not appear to have been previously described in individuals with PKD1-related disorders. This sequence change has been described in the gnomAD database with a frequency of 0.0098% in the South Asian subpopulation (dbSNP rs537844225). The p.Ala3704Thr change affects a poorly conserved amino acid residue located in a domain of the PKD1 protein that is not known to be functional. The p.Ala3704Thr substitution appears to be benign using several in-silico pathogenicity prediction tools (SIFT, PolyPhen2, Align GVGD, REVEL). Due to insufficient evidence and the lack of functional studies, the clinical significance of the p.Ala3704Thr change remains unknown at this time.

NM_001009944.3(PKD1):c.11110G>A (p.Ala3704Thr)

Genes: PKD1 (polycystin 1, transient receptor potential channel interacting; minus strand), PKD1-AS1 (PKD1 antisense RNA 1; plus strand). Cytogenetic location: 16p13.3.
Variant type: single nucleotide variant.
Coding change: c.11110G>A on transcript NM_001009944.3 (MANE Select); coding-DNA position 11110, G replaced by A.
Protein change: p.Ala3704Thr; replaces alanine 3704 with threonine.
Molecular consequence: missense variant. On other transcripts: non-coding transcript variant (1).
Genome position (GRCh38, 1-based): chr16:2,093,000, C>T on the plus strand (G>A on the coding strand, the complement: PKD1 is on the minus strand). VCF-style: chr16-2093000-C-T. GRCh37 (hg19) VCF-style: chr16-2143001-C-T.
Other names: c.11107G>A, p.Ala3703Thr (NM_000296.4); short protein forms A3703T, A3704T.
Identifiers: ClinVar variation 4082484 (VCV004082484.2).